The following is an entry in ClinVar:

NM_001370259.2(MEN1):c.*8G>A

Gene: MEN1 (menin 1; minus strand). Cytogenetic location: 11q13.1.
Variant type: single nucleotide variant.
Coding change: c.*8G>A on transcript NM_001370259.2 (MANE Select); 8 bases downstream of the stop codon, G replaced by A.
Molecular consequence: 3 prime UTR variant. On other transcripts: non-coding transcript variant (4).
Genome position (GRCh38, 1-based): chr11:64,804,326, C>T on the plus strand (G>A on the coding strand, the complement: MEN1 is on the minus strand). VCF-style: chr11-64804326-C-T. GRCh37 (hg19) VCF-style: chr11-64571798-C-T.
Other names: c.*8G>A (NM_000244.4, NM_001370251.2, NM_001370260.2 and 20 more transcripts).
Identifiers: ClinVar variation 3773205 (VCV003773205.1).
Genomic context (GRCh38, chr11:64,804,326, plus strand): 5'-TGGGCTCAGAGTTGGGGGACTAAGGGCGGAGCCTGGGTCCCCACAAGCGGTCCGAAGTCC[C>T]CAGTAGTTCAGAGGCCTTTGCGCTGCCGCTTGAGGAAAGACAGAGTGTAGTCACTAGGGG-3'

ClinVar aggregate classification (germline): Benign (1 of 4 stars; one submission).

Conditions:
Multiple endocrine neoplasia, type 1 (MEN1). Also called: MEN I; WERMER SYNDROME; Endocrine adenomatosis multiple; MEN 1; MEA I. Identifiers: Orphanet 652, MedGen C0025267, MeSH D018761, MONDO:0007540, OMIM 131100.

gnomAD v4.1: 2 of 1,614,036 alleles (0.00012%); highest among the groups gnomAD compares: Non-Finnish European, 0.00017%; no homozygotes.

Submission:

Myriad Genetics, Inc.
Classification: Benign for Multiple endocrine neoplasia, type 1. Last evaluated: 2024-11-05. Review status: criteria provided, single submitter. Criteria: Myriad Autosomal Dominant, Autosomal Recessive and X-Linked Classification Criteria (2023). Collection method: clinical testing. Allele origin: unknown.
Comment: This variant is considered benign. This variant occurs in the non-coding 3' untranslated region of the gene, and is not expected to impact protein function.